The following is an entry in ClinVar:

NM_201269.3(ZNF644):c.177A>G (p.Pro59=)

Gene: ZNF644 (zinc finger protein 644; minus strand). Cytogenetic location: 1p22.2.
Variant type: single nucleotide variant.
Coding change: c.177A>G on transcript NM_201269.3 (MANE Select); coding-DNA position 177, A replaced by G.
Protein change: p.Pro59=; no amino-acid change (proline 59 retained).
Molecular consequence: synonymous variant. On other transcripts: intron variant (2).
Genome position (GRCh38, 1-based): chr1:90,941,177, T>C on the plus strand (A>G on the coding strand, the complement: ZNF644 is on the minus strand). VCF-style: chr1-90941177-T-C. GRCh37 (hg19) VCF-style: chr1-91406734-T-C.
Other names: c.23-23023A>G (NM_032186.5, NM_016620.4).
Identifiers: ClinVar variation 721933 (VCV000721933.4), dbSNP rs145653093, ClinGen allele CA945289.

ClinVar aggregate classification (germline): Likely benign. Review status: criteria provided, multiple submitters, no conflicts (2 of 4 stars). 2 submissions from 2 submitters: Likely benign (2). Last evaluated 2026-03-09.

Conditions:
ZNF644-related disorder. Also called: ZNF644-related condition.

Allele frequency attached by ClinVar (database versions not stated): 1000 Genomes Project 30x 0.00094; 1000 Genomes Project 0.00100; TOPMed 0.00107; gnomAD 0.00110 and 0.00114; gnomAD exomes 0.00131 and 0.00178; ExAC 0.00143; ESP Exome Variant Server 0.00215.
gnomAD v4.1: 2,825 of 1,612,882 alleles (0.18%); highest among the groups gnomAD compares: Middle Eastern, 0.21%; 6 homozygotes.

Submissions (2):

PreventionGenetics, part of Exact Sciences
Classification: Likely benign for ZNF644-related condition. Last evaluated: 2026-03-09. Review status: criteria provided, single submitter. Criteria: ACMG Guidelines, 2015. Collection method: clinical testing. Allele origin: germline.
Comment: This variant is classified as likely benign based on ACMG/AMP sequence variant interpretation guidelines (Richards et al. 2015 PMID: 25741868, with internal and published modifications).

Labcorp Genetics (formerly Invitae), Labcorp
Classification: Likely benign. Last evaluated: 2018-03-29. Review status: criteria provided, single submitter. Criteria: Invitae Variant Classification Sherloc (09022015). Collection method: clinical testing. Allele origin: germline.